The following is an entry in ClinVar:

NM_024675.4(PALB2):c.2687C>T (p.Ser896Phe)

Gene: PALB2 (partner and localizer of BRCA2; minus strand). Cytogenetic location: 16p12.2.
Variant type: single nucleotide variant.
Coding change: c.2687C>T on transcript NM_024675.4 (MANE Select); coding-DNA position 2687, C replaced by T.
Protein change: p.Ser896Phe; replaces serine 896 with phenylalanine.
Molecular consequence: missense variant.
Genome position (GRCh38, 1-based): chr16:23,626,297, G>A on the plus strand (C>T on the coding strand, the complement: PALB2 is on the minus strand). VCF-style: chr16-23626297-G-A. GRCh37 (hg19) VCF-style: chr16-23637618-G-A.
Other names: c.2687C>T (NM_024675.3); short protein forms S896F.
Identifiers: ClinVar variation 1393373 (VCV001393373.12), dbSNP rs1597085085, ClinGen allele CA395121988.

ClinVar aggregate classification (germline): Uncertain significance. Review status: criteria provided, multiple submitters, no conflicts (2 of 4 stars). 3 submissions from 3 submitters: Uncertain significance (3). Last evaluated 2024-09-16.

Conditions:
Hereditary cancer-predisposing syndrome. Also called: Neoplastic Syndromes, Hereditary; Hereditary neoplastic syndrome; Tumor predisposition; Hereditary Cancer Syndrome. Identifiers: Orphanet 140162, MedGen C0027672, MeSH D009386, MONDO:0015356.
Familial cancer of breast. Also called: hereditary breast carcinoma; BREAST CANCER, FAMILIAL; Hereditary breast cancer. Identifiers: Orphanet 227535, MedGen C0346153, MONDO:0016419, OMIM 114480. Disease mechanism: loss of function.

Allele frequency attached by ClinVar (database versions not stated): TOPMed below 0.00001.

Submissions (3):

Ambry Genetics
Classification: Uncertain significance for Hereditary cancer-predisposing syndrome. Last evaluated: 2024-09-16. Review status: criteria provided, single submitter. Criteria: Ambry Variant Classification Scheme 2023. Collection method: clinical testing. Allele origin: germline.
Comment: The p.S896F variant (also known as c.2687C>T), located in coding exon 7 of the PALB2 gene, results from a C to T substitution at nucleotide position 2687. The serine at codon 896 is replaced by phenylalanine, an amino acid with highly dissimilar properties. This variant was detected in 4/7840 breast cancer cases and 0/7929 healthy controls from Southeast Asia (Ng PS et al. J Med Genet, 2022 May;59:481-491). This amino acid position is well conserved in available vertebrate species. In addition, the in silico prediction for this alteration is inconclusive. Based on the available evidence, the clinical significance of this variant remains unclear.

Labcorp Genetics (formerly Invitae), Labcorp
Classification: Uncertain significance for Familial cancer of breast. Last evaluated: 2024-07-22. Review status: criteria provided, single submitter. Criteria: Invitae Variant Classification Sherloc (09022015). Collection method: clinical testing. Allele origin: germline.
Comment: This sequence change replaces serine, which is neutral and polar, with phenylalanine, which is neutral and non-polar, at codon 896 of the PALB2 protein (p.Ser896Phe). This variant is not present in population databases (gnomAD no frequency). This missense change has been observed in individual(s) with breast cancer (PMID: 33811135). ClinVar contains an entry for this variant (Variation ID: 1393373). Advanced modeling of protein sequence and biophysical properties (such as structural, functional, and spatial information, amino acid conservation, physicochemical variation, residue mobility, and thermodynamic stability) performed at Invitae indicates that this missense variant is expected to disrupt PALB2 protein function with a positive predictive value of 80%. In summary, the available evidence is currently insufficient to determine the role of this variant in disease. Therefore, it has been classified as a Variant of Uncertain Significance.

Color Diagnostics, LLC DBA Color Health
Classification: Uncertain significance for Hereditary cancer-predisposing syndrome. Last evaluated: 2023-11-21. Review status: criteria provided, single submitter. Criteria: ACMG Guidelines, 2015. Collection method: clinical testing. Allele origin: germline.
Comment: This missense variant replaces serine with phenylalanine at codon 896 of the PALB2 protein. Computational prediction suggests that this variant may not impact protein structure and function. To our knowledge, functional studies have not been reported for this variant. This variant has been detected in 4/7840 breast cancer cases and absent in 7928 healthy controls (PMID: 33811135), and in a breast cancer case-control meta-analysis in 3/60466 cases and 0/53461 unaffected individuals (PMID: 33471991; Leiden Open Variation Database DB-ID PALB2_010855). This variant has not been identified in the general population by the Genome Aggregation Database (gnomAD). The available evidence is insufficient to determine the role of this variant in disease conclusively. Therefore, this variant is classified as a Variant of Uncertain Significance.

Literature cited by the submitters: PubMed 33811135 (cited by 3 submitters); PubMed 33471991 (cited by Color Diagnostics, LLC DBA Color Health).